The following is an entry in ClinVar:

NM_002880.4(RAF1):c.208-6_208-3del

Gene: RAF1 (Raf-1 proto-oncogene, serine/threonine kinase; minus strand). Cytogenetic location: 3p25.2.
Variant type: Microsatellite.
Coding change: c.208-6_208-3del on transcript NM_002880.4 (MANE Select); 6 bases into the intron before coding-DNA position 208 through 3 bases into the intron before coding-DNA position 208, 4 bases deleted (TTGT; older notation c.208-6_208-3delTTGT).
Molecular consequence: intron variant.
Genome position (GRCh38, 1-based): chr3:12,612,065-12,612,068, ACAA deleted on the plus strand (TTGT on the coding strand, the reverse complement: RAF1 is on the minus strand); deleting any 4 consecutive bases within chr3:12,612,065-12,612,073 gives the same sequence; the c. name uses the placement nearest the transcript's 3' end. VCF-style (leftmost placement, unchanged base first): chr3-12612064-TACAA-T. GRCh37 (hg19) VCF-style: chr3-12653563-TACAA-T.
Other names: c.78-2733_78-2730del (NM_001354695.3, NM_001354692.3, NM_001354694.3 and 1 more transcripts); c.208-6_208-3del (NM_001354693.3, NM_001354689.3, NM_001354690.3); c.208-6_208-3delTTGT (NM_002880.3).
Identifiers: ClinVar variation 1485303 (VCV001485303.7), dbSNP rs2125431643, ClinGen allele CA2580583010.

ClinVar aggregate classification (germline): Uncertain significance. Review status: criteria provided, multiple submitters, no conflicts (2 of 4 stars). 2 submissions from 2 submitters: Uncertain significance (2). Last evaluated 2026-01-05.

Conditions:
Cardiovascular phenotype. Identifiers: MedGen CN230736.
RASopathy. Also called: Noonan spectrum disorder; rasopathies. Identifiers: Orphanet 536391, MedGen C5555857, MONDO:0021060.

Submissions (2):

Ambry Genetics
Classification: Uncertain significance for Cardiovascular phenotype. Last evaluated: 2026-01-05. Review status: criteria provided, single submitter. Criteria: Ambry Variant Classification Scheme 2023. Collection method: clinical testing. Allele origin: germline.
Comment: The c.208-6_208-3delTTGT intronic variant, located in intron 1 of the RAF1 gene, results from a deletion of 4 nucleotides within intron 1 of the RAF1 gene. This nucleotide region ranges from well conserved to not well conserved in available vertebrate species. In silico splice site analysis predicts that this alteration will weaken the native splice acceptor site. Based on the available evidence, the clinical significance of this variant remains unclear.

Labcorp Genetics (formerly Invitae), Labcorp
Classification: Uncertain significance for RASopathy. Last evaluated: 2024-03-21. Review status: criteria provided, single submitter. Criteria: Invitae Variant Classification Sherloc (09022015). Collection method: clinical testing. Allele origin: germline.
Comment: This sequence change falls in intron 2 of the RAF1 gene. It does not directly change the encoded amino acid sequence of the RAF1 protein. This variant is not present in population databases (gnomAD no frequency). This variant has not been reported in the literature in individuals affected with RAF1-related conditions. Algorithms developed to predict the effect of sequence changes on RNA splicing suggest that this variant may disrupt the consensus splice site. In summary, the available evidence is currently insufficient to determine the role of this variant in disease. Therefore, it has been classified as a Variant of Uncertain Significance.